The following is an entry in ClinVar:

ClinVar aggregate classification (germline): Conflicting classifications of pathogenicity. Review status: criteria provided, conflicting classifications (1 of 4 stars). 7 submissions from 7 submitters: Uncertain significance (1); Benign (4); Likely benign (2). Last evaluated 2026-09-01.

Conditions:
Autosomal recessive nonsyndromic hearing loss 9. Also called: Deafness, autosomal recessive 9; AUDITORY NEUROPATHY, AUTOSOMAL RECESSIVE, 1, TEMPERATURE-SENSITIVE; NEUROSENSORY NONSYNDROMIC RECESSIVE DEAFNESS 9; OTOF-Related Hearing Loss. Identifiers: Orphanet 90636, MedGen C1832828, MONDO:0010986, OMIM 601071.

Allele frequency attached by ClinVar (database versions not stated): gnomAD exomes 0.00038 and 0.00114; ESP Exome Variant Server 0.00377; gnomAD 0.00412 and 0.00446; TOPMed 0.00461; ExAC 0.00134; 1000 Genomes Project 0.00479; 1000 Genomes Project 30x 0.00437.
gnomAD v4.1: 1,209 of 1,563,330 alleles (0.077%); highest among the groups gnomAD compares: African/African-American, 1.3%; 6 homozygotes.

Submissions (12):

CeGaT Center for Human Genetics Tuebingen
Classification: Likely benign. Last evaluated: 2026-09-01. Review status: criteria provided, single submitter. Criteria: CeGaT Center For Human Genetics Tuebingen Variant Classification Criteria Version 2. Collection method: clinical testing. Allele origin: germline. Affected: yes. Observed: 3 variant alleles.
Comment: OTOF: BS1

Labcorp Genetics (formerly Invitae), Labcorp
Classification: Benign. Last evaluated: 2026-01-28. Review status: criteria provided, single submitter. Criteria: Invitae Variant Classification Sherloc (09022015). Collection method: clinical testing. Allele origin: germline.

Blueprint Genetics
Classification: Likely benign. Last evaluated: 2024-10-18. Review status: criteria provided, single submitter. Criteria: ACMG Guidelines, 2015. Collection method: clinical testing. Allele origin: germline.

ARUP Laboratories, Molecular Genetics and Genomics, ARUP Laboratories
Classification: Benign. Last evaluated: 2023-10-11. Review status: criteria provided, single submitter. Criteria: ARUP Molecular Germline Variant Investigation Process 2024. Collection method: clinical testing. Allele origin: germline.

GeneDx
Classification: Benign. Last evaluated: 2019-07-22. Review status: criteria provided, single submitter. Criteria: GeneDx Variant Classification Process June 2021. Collection method: clinical testing. Allele origin: germline. Affected: yes.

Illumina Laboratory Services, Illumina
Classification: Uncertain significance for Autosomal recessive nonsyndromic hearing loss 9. Last evaluated: 2018-01-13. Review status: criteria provided, single submitter. Criteria: ICSL Variant Classification Criteria 13 December 2019. Collection method: clinical testing. Allele origin: germline.

Laboratory for Molecular Medicine, Mass General Brigham Personalized Medicine
Classification: Benign. Last evaluated: 2012-05-14. Review status: criteria provided, single submitter. Criteria: LMM Criteria. Collection method: clinical testing. Allele origin: germline. Observed: 5 variant alleles.
Comment: Gly1623Gly in Exon 39 of OTOF: This variant is not expected to have clinical sig nificance because it does not alter an amino acid residue, is not located within the splice consensus sequence, and has been identified in 1.0% (39/3738) of Afr ican American chromosomes from a broad population by the NHLBI Exome Sequencing Project (dbSNP rs61744000).

Dr. Peter K. Rogan Lab, Western University
No classification provided (evidence only). Condition: Lung cancer. Review status: no classification provided. Collection method: in vitro. Allele origin: not applicable. Functional consequence: retained intron. Not counted in ClinVar's aggregate classification.

Dr. Peter K. Rogan Lab, Western University
No classification provided (evidence only). Condition: Familial cancer of breast. Review status: no classification provided. Collection method: in vitro. Allele origin: not applicable. Functional consequence: retained intron. Not counted in ClinVar's aggregate classification.

Dr. Peter K. Rogan Lab, Western University
No classification provided (evidence only). Condition: Familial cancer of breast. Review status: no classification provided. Collection method: in vitro. Allele origin: not applicable. Functional consequence: retained intron. Not counted in ClinVar's aggregate classification.

Dr. Peter K. Rogan Lab, Western University
No classification provided (evidence only). Condition: Uterine corpus endometrial carcinoma. Review status: no classification provided. Collection method: in vitro. Allele origin: not applicable. Functional consequence: retained intron. Not counted in ClinVar's aggregate classification.

Dr. Peter K. Rogan Lab, Western University
No classification provided (evidence only). Condition: Thymoma. Review status: no classification provided. Collection method: in vitro. Allele origin: not applicable. Functional consequence: retained intron. Not counted in ClinVar's aggregate classification.

NM_194248.3(OTOF):c.4869C>T (p.Gly1623=)

Gene: OTOF (otoferlin; minus strand). Cytogenetic location: 2p23.3.
Variant type: single nucleotide variant.
Coding change: c.4869C>T on transcript NM_194248.3 (MANE Select); coding-DNA position 4869, C replaced by T.
Protein change: p.Gly1623=; no amino-acid change (glycine 1623 retained).
Molecular consequence: synonymous variant.
Genome position (GRCh38, 1-based): chr2:26,464,960, G>A on the plus strand (C>T on the coding strand, the complement: OTOF is on the minus strand). VCF-style: chr2-26464960-G-A. GRCh37 (hg19) VCF-style: chr2-26687828-G-A.
Other names: c.4869C>T, p.Gly1623= (NM_001287489.2); c.2568C>T, p.Gly856= (NM_004802.4, NM_194323.3); c.2799C>T, p.Gly933= (NM_194322.3).
Identifiers: ClinVar variation 48242 (VCV000048242.44), dbSNP rs61744000, ClinGen allele CA142903.